The following is an entry in ClinVar:

ClinVar aggregate classification (germline): Pathogenic (1 of 4 stars; one submission).

Conditions:
Juvenile polyposis syndrome (JPS). Identifiers: Orphanet 2929, MedGen C0345893, MONDO:0017380, OMIM 174900.

Submission:

Labcorp Genetics (formerly Invitae), Labcorp
Classification: Pathogenic for Juvenile polyposis syndrome. Last evaluated: 2018-12-22. Review status: criteria provided, single submitter. Criteria: Invitae Variant Classification Sherloc (09022015). Collection method: clinical testing. Allele origin: unknown.
Comment: For these reasons, this variant has been classified as Pathogenic. Experimental studies have shown that deletion of this promoter region impairs the transcription of a reporter gene in vitro, and protein samples derived from individuals carrying this variant showed reduced BMPR1A protein levels compared to a control sample (PMID: 20843829, 21872883). A large genomic deletion involving the promoter region (non-coding exon 1) has been reported to segregate with BMPR1A-related disease in a family (PMID: 20843829). A similar deletion involving the promoter region has also been reported in an individual with congenital heart defect who was pending for juvenile polyposis screening (PMID: 22067610). This variant is a gross deletion of the genomic region encompassing the promoter (non-coding exon 1) of the BMPR1A gene. The 5' end of this event is unknown as it extends beyond the assayed region for this gene, and therefore may encompass additional genes. The 3' boundary is likely confined to the region between non-coding exon 1 and non-coding exon 2.

Literature cited by the submitters: PubMed 20843829; PubMed 21872883; PubMed 22067610.

NC_000010.10:g.(?_88516246)_(88528678_?)del

Gene: BMPR1A (bone morphogenetic protein receptor type 1A; plus strand). Cytogenetic location: 10q23.2.
Variant type: Deletion.
Identifiers: ClinVar variation 3244825 (VCV003244825.1).